The following is an entry in ClinVar:

NM_000350.3(ABCA4):c.4713C>T (p.Ile1571=)

Genes: ABCA4 (ATP binding cassette subfamily A member 4; minus strand), LOC126805793 (CDK7 strongly-dependent group 2 enhancer GRCh37_chr1:94486302-94487501; plus strand). Cytogenetic location: 1p22.1.
Variant type: single nucleotide variant.
Coding change: c.4713C>T on transcript NM_000350.3 (MANE Select); coding-DNA position 4713, C replaced by T.
Protein change: p.Ile1571=; no amino-acid change (isoleucine 1571 retained).
Molecular consequence: synonymous variant.
Genome position (GRCh38, 1-based): chr1:94,021,906, G>A on the plus strand (C>T on the coding strand, the complement: ABCA4 is on the minus strand). VCF-style: chr1-94021906-G-A. GRCh37 (hg19) VCF-style: chr1-94487462-G-A.
Other names: c.4491C>T, p.Ile1497= (NM_001425324.1).
Identifiers: ClinVar variation 2638930 (VCV002638930.24), dbSNP rs773387213, ClinGen allele CA957503.

ClinVar aggregate classification (germline): Likely benign (1 of 4 stars; one submission).

Allele frequency attached by ClinVar (database versions not stated): gnomAD exomes 0.00001; ExAC 0.00002.
gnomAD v4.1: 9 of 1,614,204 alleles (0.00056%); highest among the groups gnomAD compares: South Asian, 0.0099%; 1 homozygote.

Submission:

CeGaT Center for Human Genetics Tuebingen
Classification: Likely benign. Last evaluated: 2023-07-01. Review status: criteria provided, single submitter. Criteria: CeGaT Center For Human Genetics Tuebingen Variant Classification Criteria Version 2. Collection method: clinical testing. Allele origin: germline. Affected: yes. Observed: 1 variant allele.
Comment: ABCA4: BP4